The following is an entry in ClinVar:

ClinVar aggregate classification (germline): Likely benign (1 of 4 stars; one submission).

Submission:

CeGaT Center for Human Genetics Tuebingen
Classification: Likely benign. Last evaluated: 2026-09-01. Review status: criteria provided, single submitter. Criteria: CeGaT Center For Human Genetics Tuebingen Variant Classification Criteria Version 2. Collection method: clinical testing. Allele origin: germline. Affected: yes. Observed: 1 variant allele.
Comment: WARS2: PM2:Supporting, BP4, BP7

NM_015836.4(WARS2):c.69C>T (p.Ser23=)

Genes: WARS2 (tryptophanyl tRNA synthetase 2, mitochondrial; minus strand), WARS2-AS1 (WARS2 antisense RNA 1; plus strand), LOC129931299 (ATAC-STARR-seq lymphoblastoid active region 1590; plus strand). Cytogenetic location: 1p12.
Variant type: single nucleotide variant.
Coding change: c.69C>T on transcript NM_015836.4 (MANE Select); coding-DNA position 69, C replaced by T.
Protein change: p.Ser23=; no amino-acid change (serine 23 retained).
Molecular consequence: synonymous variant. On other transcripts: non-coding transcript variant (4), 5 prime UTR variant (3).
Genome position (GRCh38, 1-based): chr1:119,140,576, G>A on the plus strand (C>T on the coding strand, the complement: WARS2 is on the minus strand). VCF-style: chr1-119140576-G-A. GRCh37 (hg19) VCF-style: chr1-119683199-G-A.
Other names: c.-86C>T (NM_001378226.1); c.-277C>T (NM_001378227.1); c.69C>T, p.Ser23= (NM_001378228.1, NM_001378229.1, NM_001378231.1 and 1 more transcripts); c.-405C>T (NM_001378230.1).
Identifiers: ClinVar variation 5040711 (VCV005040711.1).